The following is an entry in ClinVar:

NM_206933.4(USH2A):c.12066+1G>C

Gene: USH2A (usherin; minus strand). Cytogenetic location: 1q41.
Variant type: single nucleotide variant.
Coding change: c.12066+1G>C on transcript NM_206933.4 (MANE Select); the canonical splice donor site of the intron after coding-DNA position 12066, G replaced by C.
Molecular consequence: splice donor variant.
Genome position (GRCh38, 1-based): chr1:215,728,029, C>G on the plus strand (G>C on the coding strand, the complement: USH2A is on the minus strand). VCF-style: chr1-215728029-C-G. GRCh37 (hg19) VCF-style: chr1-215901371-C-G.
Identifiers: ClinVar variation 3767353 (VCV003767353.1).

ClinVar aggregate classification (germline): Likely pathogenic (1 of 4 stars; one submission).

Conditions:
Retinitis pigmentosa 39 (RP39). Identifiers: Orphanet 791, MedGen C3151138, MONDO:0013436, OMIM 613809.

Submission:

SingHealth Duke-NUS Institute of Precision Medicine
Classification: Likely pathogenic for Retinitis pigmentosa 39. Last evaluated: 2025-02-05. Review status: criteria provided, single submitter. Criteria: PRISM ACMG Classification Criteria. Collection method: clinical testing. Allele origin: germline. Affected: yes.
Comment: Variant is predicted to cause nonsense-mediated decay in a gene where LOF is a known cause of pathogenicity (PVS1). Variant is not found in gnomAD genomes and exomes (PM2).